The following is an entry in ClinVar:

ClinVar aggregate classification (germline): Uncertain significance (1 of 4 stars; one submission).

Conditions:
Hereditary cancer-predisposing syndrome. Also called: Tumor predisposition; Hereditary Cancer Syndrome; Hereditary neoplastic syndrome; Neoplastic Syndromes, Hereditary. Identifiers: Orphanet 140162, MedGen C0027672, MeSH D009386, MONDO:0015356.

Submission:

Ambry Genetics
Classification: Uncertain significance for Hereditary cancer-predisposing syndrome. Last evaluated: 2025-05-27. Review status: criteria provided, single submitter. Criteria: Ambry Variant Classification Scheme 2023. Collection method: clinical testing. Allele origin: germline.
Comment: The p.V1238A variant (also known as c.3713T>C), located in coding exon 18 of the MET gene, results from a T to C substitution at nucleotide position 3713. The valine at codon 1238 is replaced by alanine, an amino acid with similar properties. Other variant(s) at the same codon, p.V1238I (c.3712G>A), have been identified in individual(s) with features consistent with MET-related papillary renal cell carcinoma and shown to segregate with disease in at least one family (Schmidt L et al, Nat. Genet. 1997 May; Schmidt L et al, Oncogene 1999 Apr;18(14):2343-50) (16(1):68-73; Prat E et al. Cancer Genet Cytogenet, 2006 Jan;164:142-7). This amino acid position is highly conserved in available vertebrate species. In addition, this alteration is predicted to be deleterious by in silico analysis. Based on the available evidence, the clinical significance of this variant remains unclear.

NM_000245.4(MET):c.3659T>C (p.Val1220Ala)

Gene: MET (MET proto-oncogene, receptor tyrosine kinase; plus strand). Cytogenetic location: 7q31.2.
Variant type: single nucleotide variant.
Coding change: c.3659T>C on transcript NM_000245.4 (MANE Select); coding-DNA position 3659, T replaced by C.
Protein change: p.Val1220Ala; replaces valine 1220 with alanine.
Molecular consequence: missense variant.
Genome position (GRCh38, 1-based): chr7:116,783,330, T>C. VCF-style: chr7-116783330-T-C. GRCh37 (hg19) VCF-style: chr7-116423384-T-C.
Other names: c.3713T>C (LRG_662t1); c.3713T>C, p.Val1238Ala (NM_001127500.3); c.2369T>C, p.Val790Ala (NM_001324402.2); short protein forms V1238A, V790A, V1220A.
Identifiers: ClinVar variation 485790 (VCV000485790.6), dbSNP rs1554400274, ClinGen allele CA368991475.